The following is an entry in ClinVar:

NM_002439.5(MSH3):c.2735T>G (p.Ile912Ser)

Gene: MSH3 (mutS homolog 3; plus strand). Cytogenetic location: 5q14.1.
Variant type: single nucleotide variant.
Coding change: c.2735T>G on transcript NM_002439.5 (MANE Select); coding-DNA position 2735, T replaced by G.
Protein change: p.Ile912Ser; replaces isoleucine 912 with serine.
Molecular consequence: missense variant.
Genome position (GRCh38, 1-based): chr5:80,813,663, T>G. VCF-style: chr5-80813663-T-G. GRCh37 (hg19) VCF-style: chr5-80109482-T-G.
Other names: short protein forms I912S.
Identifiers: ClinVar variation 657673 (VCV000657673.16), dbSNP rs1580066484, ClinGen allele CA360273971.

ClinVar aggregate classification (germline): Uncertain significance. Review status: criteria provided, multiple submitters, no conflicts (2 of 4 stars). 5 submissions from 5 submitters: Uncertain significance (5). Last evaluated 2024-10-28.

Conditions:
Familial adenomatous polyposis 4 (FAP4). Also called: MSH3-related attenuated familial adenomatous polyposis. Identifiers: Orphanet 480536, MedGen C4310719, MONDO:0044300, OMIM 617100.
Hereditary cancer-predisposing syndrome. Also called: Hereditary neoplastic syndrome; Neoplastic Syndromes, Hereditary; Hereditary Cancer Syndrome; Tumor predisposition. Identifiers: Orphanet 140162, MedGen C0027672, MeSH D009386, MONDO:0015356.
Endometrial carcinoma. Also called: Endometrial carcinoma, somatic. Identifiers: MedGen C0476089, MONDO:0002447, OMIM 608089, HP:0012114.

gnomAD v4.1: 2 of 1,614,172 alleles (0.00012%); highest among the groups gnomAD compares: Non-Finnish European, 0.000085%; no homozygotes.

Submissions (5):

Labcorp Genetics (formerly Invitae), Labcorp
Classification: Uncertain significance. Last evaluated: 2024-10-28. Review status: criteria provided, single submitter. Criteria: Invitae Variant Classification Sherloc (09022015). Collection method: clinical testing. Allele origin: germline.
Comment: This sequence change replaces isoleucine, which is neutral and non-polar, with serine, which is neutral and polar, at codon 912 of the MSH3 protein (p.Ile912Ser). This variant is not present in population databases (gnomAD no frequency). This variant has not been reported in the literature in individuals affected with MSH3-related conditions. ClinVar contains an entry for this variant (Variation ID: 657673). An algorithm developed to predict the effect of missense changes on protein structure and function (PolyPhen-2) suggests that this variant is likely to be disruptive. In summary, the available evidence is currently insufficient to determine the role of this variant in disease. Therefore, it has been classified as a Variant of Uncertain Significance.

Quest Diagnostics Nichols Institute San Juan Capistrano
Classification: Uncertain significance. Last evaluated: 2024-09-17. Review status: criteria provided, single submitter. Criteria: Quest Diagnostics criteria. Collection method: clinical testing. Allele origin: unknown.
Comment: The MSH3 c.2735T>G (p.Ile912Ser) variant has not been reported in individuals with MSH3-related conditions in the published literature. It also has not been reported in large, multi-ethnic general populations (Genome Aggregation Database). Analysis of this variant using bioinformatics tools for the prediction of the effect of amino acid changes on protein structure and function yielded predictions that this variant is damaging. Based on the available information, we are unable to determine the clinical significance of this variant.

Baylor Genetics
Classification: Uncertain significance for Endometrial carcinoma. Last evaluated: 2023-12-26. Review status: criteria provided, single submitter. Criteria: ACMG Guidelines, 2015. Collection method: clinical testing. Allele origin: unknown.

St. Jude Molecular Pathology, St. Jude Children's Research Hospital
Classification: Uncertain significance for Familial adenomatous polyposis 4. Last evaluated: 2023-11-13. Review status: criteria provided, single submitter. Criteria: St. Jude Assertion Criteria 2020. Collection method: clinical testing. Allele origin: germline.
Comment: The MSH3 c.2735T>G (p.Ile912Ser) missense change is absent in gnomAD v2.1.1. The in silico tool REVEL predicts a deleterious effect of this variant on protein function, and to our knowledge functional studies have not been performed. To our knowledge, this variant has not been reported in individuals with MSH3-associated familial adenomatous polyposis. In summary, the evidence currently available is insufficient to determine the clinical significance of this variant. It has therefore been classified as of uncertain significance.

Ambry Genetics
Classification: Uncertain significance for Hereditary cancer-predisposing syndrome. Last evaluated: 2023-07-20. Review status: criteria provided, single submitter. Criteria: Ambry Variant Classification Scheme 2023. Collection method: clinical testing. Allele origin: germline.
Comment: The p.I912S variant (also known as c.2735T>G), located in coding exon 20 of the MSH3 gene, results from a T to G substitution at nucleotide position 2735. The isoleucine at codon 912 is replaced by serine, an amino acid with dissimilar properties. This amino acid position is well conserved in available vertebrate species. In addition, this alteration is predicted to be deleterious by in silico analysis. Since supporting evidence is limited at this time, the clinical significance of this alteration remains unclear.